The following is an entry in ClinVar:

ClinVar aggregate classification (germline): Uncertain significance. Review status: criteria provided, multiple submitters, no conflicts (2 of 4 stars). 2 submissions from 2 submitters: Uncertain significance (2). Last evaluated 2023-12-28.

Conditions:
Developmental and epileptic encephalopathy, 36 (DEE36). Also called: ALG13-CDG; Epileptic encephalopathy, early infantile, 36; Congenital disorder of glycosylation, type Is. Identifiers: Orphanet 324422, MedGen C4317295, MONDO:0010472, OMIM 300884.

Allele frequency attached by ClinVar (database versions not stated): gnomAD exomes 0.00001; ExAC 0.00002; TOPMed 0.00005; gnomAD 0.00007 and 0.00008; 1000 Genomes Project 0.00026; 1000 Genomes Project 30x 0.00042.
gnomAD v4.1: 8 of 1,195,674 alleles (0.00067%); highest among the groups gnomAD compares: African/African-American, 0.014%; no homozygotes.

Submissions (2):

Labcorp Genetics (formerly Invitae), Labcorp
Classification: Uncertain significance for Developmental and epileptic encephalopathy, 36. Last evaluated: 2023-12-28. Review status: criteria provided, single submitter. Criteria: Invitae Variant Classification Sherloc (09022015). Collection method: clinical testing. Allele origin: germline.
Comment: This sequence change replaces proline, which is neutral and non-polar, with alanine, which is neutral and non-polar, at codon 320 of the ALG13 protein (p.Pro320Ala). The frequency data for this variant in the population databases is considered unreliable, as metrics indicate poor data quality at this position in the gnomAD database. This variant has not been reported in the literature in individuals affected with ALG13-related conditions. ClinVar contains an entry for this variant (Variation ID: 1443154). Advanced modeling of protein sequence and biophysical properties (such as structural, functional, and spatial information, amino acid conservation, physicochemical variation, residue mobility, and thermodynamic stability) has been performed at Invitae for this missense variant, however the output from this modeling did not meet the statistical confidence thresholds required to predict the impact of this variant on ALG13 protein function. In summary, the available evidence is currently insufficient to determine the role of this variant in disease. Therefore, it has been classified as a Variant of Uncertain Significance.

Fulgent Genetics
Classification: Uncertain significance for Developmental and epileptic encephalopathy, 36. Last evaluated: 2022-04-01. Review status: criteria provided, single submitter. Criteria: ACMG Guidelines, 2015. Collection method: clinical testing. Allele origin: unknown.

NM_001099922.3(ALG13):c.958C>G (p.Pro320Ala)

Gene: ALG13 (ALG13 UDP-N-acetylglucosaminyltransferase subunit; plus strand). Cytogenetic location: Xq23.
Variant type: single nucleotide variant.
Coding change: c.958C>G on transcript NM_001099922.3 (MANE Select); coding-DNA position 958, C replaced by G.
Protein change: p.Pro320Ala; replaces proline 320 with alanine.
Molecular consequence: missense variant. On other transcripts: non-coding transcript variant (1).
Genome position (GRCh38, 1-based): chrX:111,713,250, C>G. VCF-style: chrX-111713250-C-G. GRCh37 (hg19) VCF-style: chrX-110956478-C-G.
Other names: c.646C>G, p.Pro216Ala (NM_001257230.2, NM_001257234.2, NM_001257237.2 and 1 more transcripts); c.724C>G, p.Pro242Ala (NM_001257231.2); c.958C>G, p.Pro320Ala (NM_001324292.2); short protein forms P216A, P320A, P242A.
Identifiers: ClinVar variation 1443154 (VCV001443154.9), dbSNP rs750856311, ClinGen allele CA10493630.